The following is an entry in ClinVar:

ClinVar aggregate classification (germline): Uncertain significance (1 of 4 stars; one submission).

Conditions:
Haddad syndrome (OHD). Also called: Ondine-Hirschsprung disease. Identifiers: Orphanet 99803, MedGen C1859049, MONDO:0020493.

Submission:

Labcorp Genetics (formerly Invitae), Labcorp
Classification: Uncertain significance for Haddad syndrome. Last evaluated: 2023-08-01. Review status: criteria provided, single submitter. Criteria: Invitae Variant Classification Sherloc (09022015). Collection method: clinical testing. Allele origin: germline.
Comment: This sequence change replaces lysine, which is basic and polar, with glutamine, which is neutral and polar, at codon 111 of the PHOX2B protein (p.Lys111Gln). This variant is not present in population databases (gnomAD no frequency). This variant has not been reported in the literature in individuals affected with PHOX2B-related conditions. Advanced modeling of protein sequence and biophysical properties (such as structural, functional, and spatial information, amino acid conservation, physicochemical variation, residue mobility, and thermodynamic stability) performed at Invitae indicates that this missense variant is not expected to disrupt PHOX2B protein function. In summary, the available evidence is currently insufficient to determine the role of this variant in disease. Therefore, it has been classified as a Variant of Uncertain Significance.

NM_003924.4(PHOX2B):c.331A>C (p.Lys111Gln)

Gene: PHOX2B (paired like homeobox 2B; minus strand). Cytogenetic location: 4p13.
Variant type: single nucleotide variant.
Coding change: c.331A>C on transcript NM_003924.4 (MANE Select); coding-DNA position 331, A replaced by C.
Protein change: p.Lys111Gln; replaces lysine 111 with glutamine.
Molecular consequence: missense variant.
Genome position (GRCh38, 1-based): chr4:41,747,447, T>G on the plus strand (A>C on the coding strand, the complement: PHOX2B is on the minus strand). VCF-style: chr4-41747447-T-G. GRCh37 (hg19) VCF-style: chr4-41749464-T-G.
Other names: short protein forms K111Q.
Identifiers: ClinVar variation 2748928 (VCV002748928.3), dbSNP rs2552097028, ClinGen allele CA356740272.